The following is an entry in ClinVar:

ClinVar aggregate classification (germline): Uncertain significance (1 of 4 stars; one submission).

Conditions:
Hereditary cancer-predisposing syndrome. Also called: Tumor predisposition; Hereditary Cancer Syndrome; Hereditary neoplastic syndrome; Neoplastic Syndromes, Hereditary. Identifiers: Orphanet 140162, MedGen C0027672, MeSH D009386, MONDO:0015356.

Submission:

Ambry Genetics
Classification: Uncertain significance for Hereditary cancer-predisposing syndrome. Last evaluated: 2025-12-07. Review status: criteria provided, single submitter. Criteria: Ambry Variant Classification Scheme 2023. Collection method: clinical testing. Allele origin: germline.
Comment: The p.V1078A variant (also known as c.3233T>C), located in coding exon 21 of the TSC1 gene, results from a T to C substitution at nucleotide position 3233. The valine at codon 1078 is replaced by alanine, an amino acid with similar properties. This amino acid position is conserved. In addition, the in silico prediction for this alteration is inconclusive. Based on the available evidence, the clinical significance of this variant remains unclear.

NM_000368.5(TSC1):c.3233T>C (p.Val1078Ala)

Gene: TSC1 (TSC complex subunit 1; minus strand). Cytogenetic location: 9q34.13.
Variant type: single nucleotide variant.
Coding change: c.3233T>C on transcript NM_000368.5 (MANE Select); coding-DNA position 3233, T replaced by C.
Protein change: p.Val1078Ala; replaces valine 1078 with alanine.
Molecular consequence: missense variant. On other transcripts: non-coding transcript variant (5).
Genome position (GRCh38, 1-based): chr9:132,896,497, A>G on the plus strand (T>C on the coding strand, the complement: TSC1 is on the minus strand). VCF-style: chr9-132896497-A-G. GRCh37 (hg19) VCF-style: chr9-135771884-A-G.
Other names: c.3230T>C, p.Val1077Ala (NM_001162426.2, NM_001406597.1, NM_001406598.1 and 2 more transcripts); c.3080T>C, p.Val1027Ala (NM_001162427.2, NM_001406610.1); c.2870T>C, p.Val957Ala (NM_001362177.2, NM_001406614.1, NM_001406615.1 and 4 more transcripts); c.3233T>C, p.Val1078Ala (NM_001406592.1, NM_001406593.1, NM_001406594.1 and 2 more transcripts); c.3218T>C, p.Val1073Ala (NM_001406601.1, NM_001406602.1); c.3215T>C, p.Val1072Ala (NM_001406603.1, NM_001406604.1); c.3191T>C, p.Val1064Ala (NM_001406605.1, NM_001406606.1, NM_001406607.1); c.3188T>C, p.Val1063Ala (NM_001406608.1, NM_001406609.1); and 8 more; short protein forms V1026A, V1072A, V1073A, V760A, V761A, V957A, V1012A, V1064A.
Identifiers: ClinVar variation 4554675 (VCV004554675.1).